The following is an entry in ClinVar:

ClinVar aggregate classification (germline): Conflicting classifications of pathogenicity. Review status: criteria provided, conflicting classifications (1 of 4 stars). 4 submissions from 4 submitters: Uncertain significance (3); Likely benign (1). Last evaluated 2025-02-21.

Conditions:
Familial melanoma. Also called: Hereditary melanoma; Hereditary cutaneous melanoma. Identifiers: Orphanet 618, MedGen C1512419, MONDO:0018961.
Hereditary cancer-predisposing syndrome. Also called: Neoplastic Syndromes, Hereditary; Hereditary neoplastic syndrome; Tumor predisposition; Hereditary Cancer Syndrome. Identifiers: Orphanet 140162, MedGen C0027672, MeSH D009386, MONDO:0015356.

Allele frequency attached by ClinVar (database versions not stated): TOPMed 0.00002.
gnomAD v4.1: 6 of 1,605,122 alleles (0.00037%); highest among the groups gnomAD compares: Non-Finnish European, 0.00051%; no homozygotes.

Submissions (4):

Ambry Genetics
Classification: Likely benign for Hereditary cancer-predisposing syndrome. Last evaluated: 2025-02-21. Review status: criteria provided, single submitter. Criteria: Ambry Variant Classification Scheme 2023. Collection method: clinical testing. Allele origin: germline.

Sema4
Classification: Uncertain significance for Hereditary cancer-predisposing syndrome. Last evaluated: 2021-11-04. Review status: criteria provided, single submitter. Criteria: Sema4 Curation Guidelines. Collection method: curation. Allele origin: germline.
Comment: The CDKN2A (p14arf) c.92C>T (p.T31M) variant has been reported in heterozygosity in at least one individual with a personal and family history of melanoma (PMID: 28146043). It was observed in 1/105384 chromosomes of the Non-Finnish European subpopulation in the large and broad cohorts of the Genome Aggregation Database (PMID: 32461654), and has been reported in ClinVar (Variation ID 232139). Functional studies have not been performed, and in silico predictions of the variant's effect on protein function are inconclusive. The evidence is insufficient to meet ACMG/AMP criteria for classifying the variant as benign or pathogenic. Thus, the clinical significance of this variant is currently uncertain.

Labcorp Genetics (formerly Invitae), Labcorp
Classification: Uncertain significance for Familial melanoma. Last evaluated: 2021-10-21. Review status: criteria provided, single submitter. Criteria: Invitae Variant Classification Sherloc (09022015). Collection method: clinical testing. Allele origin: germline.
Comment: This sequence change replaces threonine with methionine at codon 31 of the CDKN2A (p14ARF) protein (p.Thr31Met). The threonine residue is weakly conserved and there is a moderate physicochemical difference between threonine and methionine. This variant is not present in population databases (ExAC no frequency). This missense change has been observed in individual(s) with melanoma (PMID: 28146043). ClinVar contains an entry for this variant (Variation ID: 232139). Algorithms developed to predict the effect of missense changes on protein structure and function (SIFT, PolyPhen-2, Align-GVGD) all suggest that this variant is likely to be tolerated. In summary, the available evidence is currently insufficient to determine the role of this variant in disease. Therefore, it has been classified as a Variant of Uncertain Significance.

Quest Diagnostics Nichols Institute San Juan Capistrano
Classification: Uncertain significance. Last evaluated: 2017-04-26. Review status: criteria provided, single submitter. Criteria: Quest Diagnostics criteria. Collection method: clinical testing. Allele origin: germline.

Literature cited by the submitters: PubMed 28146043 (cited by 3 submitters).

NM_058195.4(CDKN2A):c.92C>T (p.Thr31Met)

Gene: CDKN2A (cyclin dependent kinase inhibitor 2A; minus strand). Cytogenetic location: 9p21.3.
Variant type: single nucleotide variant.
Coding change: c.92C>T on transcript NM_058195.4 (MANE Plus Clinical); coding-DNA position 92, C replaced by T.
Protein change: p.Thr31Met; replaces threonine 31 with methionine.
Molecular consequence: missense variant. On other transcripts: intron variant (1).
Genome position (GRCh38, 1-based): chr9:21,994,240, G>A on the plus strand (C>T on the coding strand, the complement: CDKN2A is on the minus strand). VCF-style: chr9-21994240-G-A. GRCh37 (hg19) VCF-style: chr9-21994239-G-A.
Other names: c.-4+581C>T (NM_001363763.2); short protein forms T31M.
Identifiers: ClinVar variation 232139 (VCV000232139.11), dbSNP rs528789830, ClinGen allele CA10578853.